The following is an entry in ClinVar:

ClinVar aggregate classification (germline): Benign/Likely benign. Review status: criteria provided, multiple submitters, no conflicts (2 of 4 stars). 4 submissions from 4 submitters: Benign (1); Likely benign (3). Last evaluated 2025-12-01.

Conditions:
Hereditary cancer-predisposing syndrome. Also called: Neoplastic Syndromes, Hereditary; Tumor predisposition; Hereditary neoplastic syndrome; Hereditary Cancer Syndrome. Identifiers: Orphanet 140162, MedGen C0027672, MeSH D009386, MONDO:0015356.
Oligodontia-cancer predisposition syndrome. Also called: TOOTH AGENESIS-COLORECTAL CANCER SYNDROME. Identifiers: Orphanet 300576, MedGen C1837750, MONDO:0012075, OMIM 608615. Disease mechanism: loss of function.

Submissions (4):

CeGaT Center for Human Genetics Tuebingen
Classification: Likely benign. Last evaluated: 2025-12-01. Review status: criteria provided, single submitter. Criteria: CeGaT Center For Human Genetics Tuebingen Variant Classification Criteria Version 2. Collection method: clinical testing. Allele origin: germline. Affected: yes. Observed: 1 variant allele.
Comment: AXIN2: PM2:Supporting, BP4, BP7

Myriad Genetics, Inc.
Classification: Benign for Oligodontia-cancer predisposition syndrome. Last evaluated: 2024-07-03. Review status: criteria provided, single submitter. Criteria: Myriad Autosomal Dominant, Autosomal Recessive and X-Linked Classification Criteria (2023). Collection method: clinical testing. Allele origin: unknown.
Comment: This variant is considered benign. This variant is a silent/synonymous amino acid change and it is not expected to impact splicing.

Labcorp Genetics (formerly Invitae), Labcorp
Classification: Likely benign for Oligodontia-cancer predisposition syndrome. Last evaluated: 2022-04-13. Review status: criteria provided, single submitter. Criteria: Invitae Variant Classification Sherloc (09022015). Collection method: clinical testing. Allele origin: germline.

Ambry Genetics
Classification: Likely benign for Hereditary cancer-predisposing syndrome. Last evaluated: 2020-07-16. Review status: criteria provided, single submitter. Criteria: Ambry Variant Classification Scheme 2023. Collection method: clinical testing. Allele origin: germline.

NM_004655.4(AXIN2):c.1539T>C (p.His513=)

Gene: AXIN2 (axin 2; minus strand). Cytogenetic location: 17q24.1.
Variant type: single nucleotide variant.
Coding change: c.1539T>C on transcript NM_004655.4 (MANE Select); coding-DNA position 1539, T replaced by C.
Protein change: p.His513=; no amino-acid change (histidine 513 retained).
Molecular consequence: synonymous variant.
Genome position (GRCh38, 1-based): chr17:65,537,497, A>G on the plus strand (T>C on the coding strand, the complement: AXIN2 is on the minus strand). VCF-style: chr17-65537497-A-G. GRCh37 (hg19) VCF-style: chr17-63533615-A-G.
Other names: c.1539T>C, p.His513= (NM_001363813.1).
Identifiers: ClinVar variation 1084250 (VCV001084250.17), dbSNP rs2144460041, ClinGen allele CA501691295.